The following is an entry in ClinVar:

NM_002880.4(RAF1):c.767G>A (p.Arg256Lys)

Gene: RAF1 (Raf-1 proto-oncogene, serine/threonine kinase; minus strand). Cytogenetic location: 3p25.2.
Variant type: single nucleotide variant.
Coding change: c.767G>A on transcript NM_002880.4 (MANE Select); coding-DNA position 767, G replaced by A.
Protein change: p.Arg256Lys; replaces arginine 256 with lysine.
Molecular consequence: missense variant. On other transcripts: non-coding transcript variant (3).
Genome position (GRCh38, 1-based): chr3:12,604,203, C>T on the plus strand (G>A on the coding strand, the complement: RAF1 is on the minus strand). VCF-style: chr3-12604203-C-T. GRCh37 (hg19) VCF-style: chr3-12645702-C-T.
Other names: p.Arg256Lys; c.767G>A, p.Arg256Lys (NM_001354689.3, NM_001354690.3); c.524G>A, p.Arg175Lys (NM_001354691.3, NM_001354692.3, NM_001354694.3); c.668G>A, p.Arg223Lys (NM_001354693.3); c.425G>A, p.Arg142Lys (NM_001354695.3); short protein forms R175K, R223K, R256K, R142K.
Identifiers: ClinVar variation 4540840 (VCV004540840.2).

ClinVar aggregate classification (germline): Uncertain significance. Review status: criteria provided, multiple submitters, no conflicts (2 of 4 stars). 2 submissions from 2 submitters: Uncertain significance (2). Last evaluated 2026-04-23.

Conditions:
Cardiovascular phenotype. Identifiers: MedGen CN230736.

gnomAD v4.1: 2 of 1,614,152 alleles (0.00012%); highest among the groups gnomAD compares: African/African-American, 0.0027%; no homozygotes.

Submissions (2):

Ambry Genetics
Classification: Uncertain significance for Cardiovascular phenotype. Last evaluated: 2026-04-23. Review status: criteria provided, single submitter. Criteria: Ambry Variant Classification Scheme 2023. Collection method: clinical testing. Allele origin: germline.
Comment: The c.767G>A (p.R256K) alteration is located in exon 7 (coding exon 6) of the RAF1 gene. This alteration results from a G to A substitution at nucleotide position 767, causing the arginine (R) at amino acid position 256 to be replaced by a lysine (K). Based on data from gnomAD, the A allele has an overall frequency of <0.001% (1/251458) total alleles studied. The highest observed frequency was 0.006% (1/16256) of African alleles. This amino acid position is highly conserved in available vertebrate species. The in silico prediction for this alteration is inconclusive. Based on insufficient or conflicting evidence, the clinical significance of this alteration remains unclear.

Mayo Clinic Laboratories, Mayo Clinic
Classification: Uncertain significance. Last evaluated: 2025-07-15. Review status: criteria provided, single submitter. Criteria: ACMG Guidelines, 2015. Collection method: clinical testing. Allele origin: germline. Observed: 1 variant allele.
Comment: PM1

Literature cited by the submitters: PubMed 32989268 (cited by Mayo Clinic Laboratories, Mayo Clinic); PubMed 38777137 (cited by Mayo Clinic Laboratories, Mayo Clinic).